The following is an entry in ClinVar:

ClinVar aggregate classification (germline): Uncertain significance (1 of 4 stars; one submission).

Allele frequency attached by ClinVar (database versions not stated): gnomAD exomes below 0.00001.
gnomAD v4.1: 2 of 1,613,632 alleles (0.00012%); highest among the groups gnomAD compares: South Asian, 0.0011%; no homozygotes.

Submission:

CeGaT Center for Human Genetics Tuebingen
Classification: Uncertain significance. Last evaluated: 2023-09-01. Review status: criteria provided, single submitter. Criteria: CeGaT Center For Human Genetics Tuebingen Variant Classification Criteria Version 2. Collection method: clinical testing. Allele origin: germline. Affected: yes. Observed: 1 variant allele.
Comment: CREBBP: PM2

NM_004380.3(CREBBP):c.2488C>T (p.Pro830Ser)

Gene: CREBBP (CREB binding lysine acetyltransferase; minus strand). Cytogenetic location: 16p13.3.
Variant type: single nucleotide variant.
Coding change: c.2488C>T on transcript NM_004380.3 (MANE Select); coding-DNA position 2488, C replaced by T.
Protein change: p.Pro830Ser; replaces proline 830 with serine.
Molecular consequence: missense variant.
Genome position (GRCh38, 1-based): chr16:3,770,962, G>A on the plus strand (C>T on the coding strand, the complement: CREBBP is on the minus strand). VCF-style: chr16-3770962-G-A. GRCh37 (hg19) VCF-style: chr16-3820963-G-A.
Other names: c.2374C>T, p.Pro792Ser (NM_001079846.1); short protein forms P792S, P830S.
Identifiers: ClinVar variation 2646140 (VCV002646140.24), dbSNP rs2141204599, ClinGen allele CA394551953.